The following is an entry in ClinVar:

NM_001145809.2(MYH14):c.1155C>T (p.Asn385=)

Gene: MYH14 (myosin heavy chain 14; plus strand). Cytogenetic location: 19q13.33.
Variant type: single nucleotide variant.
Coding change: c.1155C>T on transcript NM_001145809.2 (MANE Select); coding-DNA position 1155, C replaced by T.
Protein change: p.Asn385=; no amino-acid change (asparagine 385 retained).
Molecular consequence: synonymous variant.
Genome position (GRCh38, 1-based): chr19:50,244,282, C>T. VCF-style: chr19-50244282-C-T. GRCh37 (hg19) VCF-style: chr19-50747539-C-T.
Other names: c.1155C>T, p.Asn385= (NM_001077186.2); c.1131C>T, p.Asn377= (NM_024729.4).
Identifiers: ClinVar variation 227573 (VCV000227573.16), dbSNP rs558991834, ClinGen allele CA9592534.

ClinVar aggregate classification (germline): Likely benign. Review status: criteria provided, multiple submitters, no conflicts (2 of 4 stars). 5 submissions from 5 submitters: Likely benign (5). Last evaluated 2026-01-26.

Allele frequency attached by ClinVar (database versions not stated): ExAC 0.00001; gnomAD exomes 0.00004 and 0.00005; 1000 Genomes Project 30x 0.00016; 1000 Genomes Project 0.00020; gnomAD 0.00021 and 0.00022; TOPMed 0.00066.
gnomAD v4.1: 70 of 1,613,906 alleles (0.0043%); highest among the groups gnomAD compares: Admixed American, 0.1%; 1 homozygote.

Submissions (5):

Labcorp Genetics (formerly Invitae), Labcorp
Classification: Likely benign. Last evaluated: 2026-01-26. Review status: criteria provided, single submitter. Criteria: Invitae Variant Classification Sherloc (09022015). Collection method: clinical testing. Allele origin: germline.

Blueprint Genetics
Classification: Likely benign. Last evaluated: 2020-08-27. Review status: criteria provided, single submitter. Criteria: ACMG Guidelines, 2015. Collection method: clinical testing. Allele origin: germline.

GeneDx
Classification: Likely benign. Last evaluated: 2020-03-18. Review status: criteria provided, single submitter. Criteria: GeneDx Variant Classification Process June 2021. Collection method: clinical testing. Allele origin: germline. Affected: yes.

Laboratory for Molecular Medicine, Mass General Brigham Personalized Medicine
Classification: Likely benign. Last evaluated: 2015-01-06. Review status: criteria provided, single submitter. Criteria: LMM Criteria. Collection method: clinical testing. Allele origin: germline. Observed: 2 variant alleles.
Comment: p.Asn385Asn in Exon 11 of MYH14: This variant is not expected to have clinical s ignificance because it does not alter an amino acid residue and is not located w ithin the splice consensus sequence. It has been identified in 1/9780 of African chromosomes by the Exome Aggregation Consortium (ExAC).

PreventionGenetics, part of Exact Sciences
Classification: Likely benign. Review status: criteria provided, single submitter. Criteria: ACMG Guidelines, 2015. Collection method: clinical testing. Allele origin: germline.